The following is an entry in ClinVar:

NM_005739.4(RASGRP1):c.2269A>T (p.Thr757Ser)

Gene: RASGRP1 (RAS guanyl releasing protein 1; minus strand). Cytogenetic location: 15q14.
Variant type: single nucleotide variant.
Coding change: c.2269A>T on transcript NM_005739.4 (MANE Select); coding-DNA position 2269, A replaced by T.
Protein change: p.Thr757Ser; replaces threonine 757 with serine.
Molecular consequence: missense variant.
Genome position (GRCh38, 1-based): chr15:38,490,679, T>A on the plus strand (A>T on the coding strand, the complement: RASGRP1 is on the minus strand). VCF-style: chr15-38490679-T-A. GRCh37 (hg19) VCF-style: chr15-38782880-T-A.
Other names: c.2164A>T, p.Thr722Ser (NM_001128602.2); c.1778A>T, p.Tyr593Phe (NM_001306086.2); c.2269A>T (NM_005739.3); short protein forms T722S, T757S, Y593F.
Identifiers: ClinVar variation 1416599 (VCV001416599.6), dbSNP rs745459574, ClinGen allele CA7470642.

ClinVar aggregate classification (germline): Uncertain significance. Review status: criteria provided, multiple submitters, no conflicts (2 of 4 stars). 2 submissions from 2 submitters: Uncertain significance (2). Last evaluated 2022-03-23.

Allele frequency attached by ClinVar (database versions not stated): gnomAD 0.00001; TOPMed 0.00001; gnomAD exomes 0.00004 and 0.00006; ExAC 0.00005.
gnomAD v4.1: 63 of 1,610,058 alleles (0.0039%); highest among the groups gnomAD compares: Middle Eastern, 0.033%; no homozygotes.

Submissions (2):

Labcorp Genetics (formerly Invitae), Labcorp
Classification: Uncertain significance. Last evaluated: 2022-03-23. Review status: criteria provided, single submitter. Criteria: Invitae Variant Classification Sherloc (09022015). Collection method: clinical testing. Allele origin: germline.
Comment: This sequence change replaces threonine, which is neutral and polar, with serine, which is neutral and polar, at codon 757 of the RASGRP1 protein (p.Thr757Ser). This variant is present in population databases (rs745459574, gnomAD 0.02%). This variant has not been reported in the literature in individuals affected with RASGRP1-related conditions. Algorithms developed to predict the effect of missense changes on protein structure and function (SIFT, PolyPhen-2, Align-GVGD) all suggest that this variant is likely to be tolerated. In summary, the available evidence is currently insufficient to determine the role of this variant in disease. Therefore, it has been classified as a Variant of Uncertain Significance.

Ambry Genetics
Classification: Uncertain significance. Last evaluated: 2021-06-11. Review status: criteria provided, single submitter. Criteria: Ambry Variant Classification Scheme 2023. Collection method: clinical testing. Allele origin: germline.